The following is an entry in ClinVar:

ClinVar aggregate classification (germline): Uncertain significance. Review status: criteria provided, multiple submitters, no conflicts (2 of 4 stars). 2 submissions from 2 submitters: Uncertain significance (2). Last evaluated 2023-11-02.

Conditions:
Hereditary cancer-predisposing syndrome. Also called: Neoplastic Syndromes, Hereditary; Tumor predisposition; Hereditary neoplastic syndrome; Hereditary Cancer Syndrome. Identifiers: Orphanet 140162, MedGen C0027672, MeSH D009386, MONDO:0015356.
Neuroblastoma, susceptibility to, 3. Also called: ALK-Related Neuroblastic Tumor Susceptibility. Identifiers: Orphanet 635, MedGen C2751681, MONDO:0013083, OMIM 613014.

Submissions (2):

Ambry Genetics
Classification: Uncertain significance for Hereditary cancer-predisposing syndrome. Last evaluated: 2023-11-02. Review status: criteria provided, single submitter. Criteria: Ambry Variant Classification Scheme 2023. Collection method: clinical testing. Allele origin: germline.
Comment: The p.A105G variant (also known as c.314C>G), located in coding exon 1 of the ALK gene, results from a C to G substitution at nucleotide position 314. The alanine at codon 105 is replaced by glycine, an amino acid with similar properties. This amino acid position is conserved. In addition, this alteration is predicted to be tolerated by in silico analysis. Since supporting evidence is limited at this time, the clinical significance of this alteration remains unclear.

Labcorp Genetics (formerly Invitae), Labcorp
Classification: Uncertain significance for Neuroblastoma, susceptibility to, 3. Last evaluated: 2023-06-09. Review status: criteria provided, single submitter. Criteria: Invitae Variant Classification Sherloc (09022015). Collection method: clinical testing. Allele origin: germline.
Comment: In summary, the available evidence is currently insufficient to determine the role of this variant in disease. Therefore, it has been classified as a Variant of Uncertain Significance. An algorithm developed to predict the effect of missense changes on protein structure and function (PolyPhen-2) suggests that this variant is likely to be tolerated. This variant has not been reported in the literature in individuals affected with ALK-related conditions. This variant is not present in population databases (gnomAD no frequency). This sequence change replaces alanine, which is neutral and non-polar, with glycine, which is neutral and non-polar, at codon 105 of the ALK protein (p.Ala105Gly).

NM_004304.5(ALK):c.314C>G (p.Ala105Gly)

Gene: ALK (ALK receptor tyrosine kinase; minus strand). Cytogenetic location: 2p23.1.
Variant type: single nucleotide variant.
Coding change: c.314C>G on transcript NM_004304.5 (MANE Select); coding-DNA position 314, C replaced by G.
Protein change: p.Ala105Gly; replaces alanine 105 with glycine.
Molecular consequence: missense variant.
Genome position (GRCh38, 1-based): chr2:29,920,346, G>C on the plus strand (C>G on the coding strand, the complement: ALK is on the minus strand). VCF-style: chr2-29920346-G-C. GRCh37 (hg19) VCF-style: chr2-30143212-G-C.
Other names: c.314C>G (NM_004304.4); short protein forms A105G.
Identifiers: ClinVar variation 2892266 (VCV002892266.4), dbSNP rs772569032, ClinGen allele CA346590277.